The following is an entry in ClinVar:

NM_080916.3(DGUOK):c.7G>T (p.Ala3Ser)

Genes: DGUOK (deoxyguanosine kinase; plus strand), LOC129934096 (ATAC-STARR-seq lymphoblastoid active region 16036; plus strand). Cytogenetic location: 2p13.1.
Variant type: single nucleotide variant.
Coding change: c.7G>T on transcript NM_080916.3 (MANE Select); coding-DNA position 7, G replaced by T.
Protein change: p.Ala3Ser; replaces alanine 3 with serine.
Molecular consequence: missense variant. On other transcripts: 5 prime UTR variant (4), non-coding transcript variant (6).
Genome position (GRCh38, 1-based): chr2:73,926,917, G>T. VCF-style: chr2-73926917-G-T. GRCh37 (hg19) VCF-style: chr2-74154044-G-T.
Other names: p.Ala3Ser; c.7G>T, p.Ala3Ser (NM_001318859.2, NM_080918.3); c.-172G>T (NM_001318860.2, NM_001318863.2); c.-258G>T (NM_001318861.2, NM_001318862.2); c.7G>T (NM_080916.1); short protein forms A3S.
Identifiers: ClinVar variation 2414086 (VCV002414086.3), dbSNP rs1309022733, ClinGen allele CA347296563.

ClinVar aggregate classification (germline): Uncertain significance. Review status: criteria provided, multiple submitters, no conflicts (2 of 4 stars). 3 submissions from 3 submitters: Uncertain significance (3). Last evaluated 2025-11-24.

Conditions:
Inborn genetic diseases. Identifiers: MedGen C0950123, MeSH D030342.

Allele frequency attached by ClinVar (database versions not stated): gnomAD 0.00001; TOPMed 0.00001.

Submissions (3):

Ambry Genetics
Classification: Uncertain significance for Inborn genetic diseases. Last evaluated: 2025-11-24. Review status: criteria provided, single submitter. Criteria: Ambry Variant Classification Scheme 2023. Collection method: clinical testing. Allele origin: germline.

Mayo Clinic Laboratories, Mayo Clinic
Classification: Uncertain significance. Last evaluated: 2025-03-24. Review status: criteria provided, single submitter. Criteria: ACMG Guidelines, 2015. Collection method: clinical testing. Allele origin: germline. Observed: 1 variant allele.
Comment: BP4

Labcorp Genetics (formerly Invitae), Labcorp
Classification: Uncertain significance. Last evaluated: 2022-09-29. Review status: criteria provided, single submitter. Criteria: Invitae Variant Classification Sherloc (09022015). Collection method: clinical testing. Allele origin: germline.
Comment: This sequence change replaces alanine, which is neutral and non-polar, with serine, which is neutral and polar, at codon 3 of the DGUOK protein (p.Ala3Ser). This variant is present in population databases (no rsID available, gnomAD 0.0009%). This variant has not been reported in the literature in individuals affected with DGUOK-related conditions. Algorithms developed to predict the effect of missense changes on protein structure and function are either unavailable or do not agree on the potential impact of this missense change (SIFT: "Deleterious"; PolyPhen-2: "Benign"; Align-GVGD: "Class C0"). In summary, the available evidence is currently insufficient to determine the role of this variant in disease. Therefore, it has been classified as a Variant of Uncertain Significance.